The following is an entry in ClinVar:

NM_000260.4(MYO7A):c.5528T>G (p.Leu1843Arg)

Gene: MYO7A (myosin VIIA; plus strand). Cytogenetic location: 11q13.5.
Variant type: single nucleotide variant.
Coding change: c.5528T>G on transcript NM_000260.4 (MANE Select); coding-DNA position 5528, T replaced by G.
Protein change: p.Leu1843Arg; replaces leucine 1843 with arginine.
Molecular consequence: missense variant.
Genome position (GRCh38, 1-based): chr11:77,205,509, T>G. VCF-style: chr11-77205509-T-G. GRCh37 (hg19) VCF-style: chr11-76916554-T-G.
Other names: c.5414T>G, p.Leu1805Arg (NM_001127180.2); c.5381T>G, p.Leu1794Arg (NM_001369365.1); short protein forms L1843R, L1794R, L1805R.
Identifiers: ClinVar variation 43285 (VCV000043285.11), dbSNP rs397516319, ClinGen allele CA132388.

ClinVar aggregate classification (germline): Conflicting classifications of pathogenicity. Review status: criteria provided, conflicting classifications (1 of 4 stars). 5 submissions from 5 submitters: Likely pathogenic (1); Uncertain significance (3). 1 of the submissions does not count toward it. Last evaluated 2025-01-03.

Conditions:
MYO7A-related disorder. Also called: MYO7A-related disorders.
Inborn genetic diseases. Identifiers: MedGen C0950123, MeSH D030342.
Usher syndrome type 1B (USH1B). Also called: Usher syndrome type IB. Identifiers: MedGen C1848638, MONDO:0700087.

Allele frequency attached by ClinVar (database versions not stated): gnomAD 0.00001; gnomAD exomes 0.00001; TOPMed 0.00001.
gnomAD v4.1: 8 of 1,599,160 alleles (0.0005%); highest among the groups gnomAD compares: Non-Finnish European, 0.00068%; no homozygotes.

Submissions (5):

Labcorp Genetics (formerly Invitae), Labcorp
Classification: Uncertain significance. Last evaluated: 2025-01-03. Review status: criteria provided, single submitter. Criteria: Invitae Variant Classification Sherloc (09022015). Collection method: clinical testing. Allele origin: germline.
Comment: This sequence change replaces leucine, which is neutral and non-polar, with arginine, which is basic and polar, at codon 1843 of the MYO7A protein (p.Leu1843Arg). The frequency data for this variant in the population databases is considered unreliable, as metrics indicate poor data quality at this position in the gnomAD database. This variant has not been reported in the literature in individuals affected with MYO7A-related conditions. ClinVar contains an entry for this variant (Variation ID: 43285). Invitae Evidence Modeling of protein sequence and biophysical properties (such as structural, functional, and spatial information, amino acid conservation, physicochemical variation, residue mobility, and thermodynamic stability) indicates that this missense variant is expected to disrupt MYO7A protein function with a positive predictive value of 95%. In summary, the available evidence is currently insufficient to determine the role of this variant in disease. Therefore, it has been classified as a Variant of Uncertain Significance.

Ambry Genetics
Classification: Uncertain significance for Inborn genetic diseases. Last evaluated: 2023-03-14. Review status: criteria provided, single submitter. Criteria: Ambry Variant Classification Scheme 2023. Collection method: clinical testing. Allele origin: germline.

Blueprint Genetics
Classification: Likely pathogenic for MYO7A-related disorders. Last evaluated: 2020-08-12. Review status: criteria provided, single submitter. Criteria: ACMG Guidelines, 2015. Collection method: clinical testing. Allele origin: germline. Affected: yes. Observed: 4 variant alleles.

Laboratory for Molecular Medicine, Mass General Brigham Personalized Medicine
Classification: Uncertain significance. Last evaluated: 2011-06-21. Review status: criteria provided, single submitter. Criteria: LMM Criteria. Collection method: clinical testing. Allele origin: germline. Observed: 1 variant allele.
Comment: Variant classified as Uncertain Significance - Favor Pathogenic. The Leu1843Arg variant in MYO7A has not been reported in the literature nor previously identifi ed by our laboratory. This residue is conserved across species and computational analyses (biochemical amino acid change, homology, PolyPhen2, SIFT) suggest tha t the Leu1843Arg variant may impact the protein. However, this information is no t predictive enough to assume pathogenicity. The presence of this variant in com bination with a pathogenic MYO7A variant and in an individual with clinical feat ures of hearing loss, increases the likelihood that the Leu1843Arg variant is pa thogenic. However, it should be noted that this lab has only sequenced MYO7A in 22 Black probands and no Black healthy controls. In addition, healthy control in formation is limited in either public databases or scientific literature, such t hat the full spectrum of benign variation has not yet been defined for this gene . Future analysis could reveal that the Leu1843Arg variant is common in this pop ulation and therefore unlikely to be pathogenic. In summary, the clinical signif icance of this variant cannot be determined with certainty at this time.

Natera, Inc.
Classification: Uncertain significance for Usher syndrome type 1B. Last evaluated: 2020-09-16. Review status: no assertion criteria provided. Collection method: clinical testing. Allele origin: germline. Not counted in ClinVar's aggregate classification.